The following is an entry in ClinVar:

ClinVar aggregate classification (germline): Pathogenic. Review status: criteria provided, single submitter (1 of 4 stars). 3 submissions from 3 submitters: Pathogenic (1). 2 of the submissions do not count toward it. Last evaluated 2023-05-21.

Conditions:
Melnick-Fraser syndrome (BOR). Also called: Branchio-oto-renal syndrome; Branchiootorenal syndrome; Branchiootorenal Syndrome (BORS). Identifiers: Orphanet 107, MedGen C0265234, MONDO:0007029.
EYA1-related disorder. Also called: EYA1-related condition.
Branchiootorenal syndrome 1. Also called: Branchio-Oto-Renal Syndrome 1. Identifiers: Orphanet 107, MedGen C4551702, MONDO:0007236, OMIM 113650.

Allele frequency attached by ClinVar (database versions not stated): gnomAD exomes below 0.00001; TOPMed below 0.00001; ExAC 0.00001.
gnomAD v4.1: 1 of 1,614,096 alleles (0.000062%); no homozygotes.

Submissions (3):

Labcorp Genetics (formerly Invitae), Labcorp
Classification: Pathogenic for Melnick-Fraser syndrome. Last evaluated: 2023-05-21. Review status: criteria provided, single submitter. Criteria: Invitae Variant Classification Sherloc (09022015). Collection method: clinical testing. Allele origin: germline.
Comment: For these reasons, this variant has been classified as Pathogenic. Experimental studies have shown that this missense change affects EYA1 function (PMID: 11734542, 15802522, 16797546, 24489909). Advanced modeling of protein sequence and biophysical properties (such as structural, functional, and spatial information, amino acid conservation, physicochemical variation, residue mobility, and thermodynamic stability) performed at Invitae indicates that this missense variant is not expected to disrupt EYA1 protein function. ClinVar contains an entry for this variant (Variation ID: 7940). This variant is also known as S454P. This missense change has been observed in individuals with branchiootorenal syndrome (PMID: 8566479, 9361030, 10464653; Invitae). This variant is present in population databases (rs121909200, gnomAD 0.0009%). This sequence change replaces serine, which is neutral and polar, with proline, which is neutral and non-polar, at codon 487 of the EYA1 protein (p.Ser487Pro).

PreventionGenetics, part of Exact Sciences
Classification: Pathogenic for EYA1-related condition. Last evaluated: 2024-03-23. Review status: no assertion criteria provided. Collection method: clinical testing. Allele origin: germline. Not counted in ClinVar's aggregate classification.
Comment: The EYA1 c.1459T>C variant is predicted to result in the amino acid substitution p.Ser487Pro. This variant has been reported in many individuals with branchio-oto-renal syndrome (Reported as c.1360T>C, p.Ser454Pro in Abdelhak et al 1997. PubMed ID: 9361030; Buller C et al 2001. PubMed ID: 11734542; Mutsuddi M et al 2005. PubMed ID: 15802522; Heidet L et al 2017. PubMed ID: 28566479). Several different experimental studies suggest this variant impacts protein function (Buller C et al 2001. PubMed ID: 11734542; Mutsuddi M et al 2005. PubMed ID: 15802522; Rayapureddi JP et al 2006. PubMed ID: 16797546). This variant is reported in 0.00088% of alleles in individuals of European (non-Finnish) descent in gnomAD. This variant is interpreted as pathogenic.

OMIM
Classification: Pathogenic for BRANCHIOOTORENAL SYNDROME 1. Last evaluated: 1997-12-01. Review status: no assertion criteria provided. Collection method: literature only. Allele origin: germline. Not counted in ClinVar's aggregate classification.

Literature cited by the submitters: PubMed 11734542 (cited by Labcorp Genetics (formerly Invitae), Labcorp); PubMed 15802522 (cited by Labcorp Genetics (formerly Invitae), Labcorp); PubMed 16797546 (cited by Labcorp Genetics (formerly Invitae), Labcorp); PubMed 24489909 (cited by Labcorp Genetics (formerly Invitae), Labcorp); PubMed 8566479 (cited by Labcorp Genetics (formerly Invitae), Labcorp); PubMed 9361030 (cited by Labcorp Genetics (formerly Invitae), Labcorp and OMIM); PubMed 10464653 (cited by Labcorp Genetics (formerly Invitae), Labcorp).

NM_000503.6(EYA1):c.1459T>C (p.Ser487Pro)

Gene: EYA1 (EYA transcriptional coactivator and phosphatase 1; minus strand). Cytogenetic location: 8q13.3.
Variant type: single nucleotide variant.
Coding change: c.1459T>C on transcript NM_000503.6 (MANE Select); coding-DNA position 1459, T replaced by C.
Protein change: p.Ser487Pro; replaces serine 487 with proline.
Molecular consequence: missense variant.
Genome position (GRCh38, 1-based): chr8:71,215,630, A>G on the plus strand (T>C on the coding strand, the complement: EYA1 is on the minus strand). VCF-style: chr8-71215630-A-G. GRCh37 (hg19) VCF-style: chr8-72127865-A-G.
Other names: S454P; c.1441T>C, p.Ser481Pro (NM_001288574.2, NM_172059.5); c.1093T>C, p.Ser365Pro (NM_001288575.2); c.1546T>C, p.Ser516Pro (NM_001370333.1); c.1459T>C, p.Ser487Pro (NM_001370334.1, NM_001370335.1, NM_172058.4); c.1438T>C, p.Ser480Pro (NM_001370336.1); c.1459T>C (NM_172058.3); short protein forms S487P, S481P, S365P, S480P, S516P.
Identifiers: ClinVar variation 7940 (VCV000007940.6), dbSNP rs121909200, ClinGen allele CA254274.